The following is an entry in ClinVar:

ClinVar aggregate classification (germline): Likely benign (1 of 4 stars; one submission).

Allele frequency attached by ClinVar (database versions not stated): ESP Exome Variant Server 0.00059; TOPMed 0.00066; gnomAD 0.00068; 1000 Genomes Project 30x 0.00078; gnomAD exomes 0.00080; 1000 Genomes Project 0.00100; ExAC 0.00162.
gnomAD v4.1: 1,324 of 1,613,866 alleles (0.082%); highest among the groups gnomAD compares: South Asian, 0.75%; 12 homozygotes.

Submission:

CeGaT Center for Human Genetics Tuebingen
Classification: Likely benign. Last evaluated: 2023-03-01. Review status: criteria provided, single submitter. Criteria: CeGaT Center For Human Genetics Tuebingen Variant Classification Criteria Version 2. Collection method: clinical testing. Allele origin: germline. Affected: yes. Observed: 1 variant allele.
Comment: MYOF: BS2

NM_013451.4(MYOF):c.5667C>A (p.Asp1889Glu)

Gene: MYOF (myoferlin; minus strand). Cytogenetic location: 10q23.33.
Variant type: single nucleotide variant.
Coding change: c.5667C>A on transcript NM_013451.4 (MANE Select); coding-DNA position 5667, C replaced by A.
Protein change: p.Asp1889Glu; replaces aspartic acid 1889 with glutamic acid.
Molecular consequence: missense variant.
Genome position (GRCh38, 1-based): chr10:93,316,745, G>T on the plus strand (C>A on the coding strand, the complement: MYOF is on the minus strand). VCF-style: chr10-93316745-G-T. GRCh37 (hg19) VCF-style: chr10-95076502-G-T.
Other names: c.5628C>A, p.Asp1876Glu (NM_133337.3); short protein forms D1876E, D1889E.
Identifiers: ClinVar variation 2640685 (VCV002640685.24), dbSNP rs201166887, ClinGen allele CA5606619.
Genomic context (GRCh38, chr10:93,316,745, plus strand): 5'-AGAAACAATGATCCAAATGTAAGCCCTACCCAAGTAGTCATCCAGAGAAAACTTGTCATT[G>T]TCCCATATCTGAATGATCAGCCTGGGTGGGATTCGAAATTCCGTTTGGTCAATACTCCAG-3'
Protein context (NP_038479.1, residues 1879-1899): IPPRLIIQIW[Asp1889Glu]NDKFSLDDYL